The following is an entry in ClinVar:

NM_014956.5(CEP164):c.1727G>T (p.Arg576Leu)

Gene: CEP164 (centrosomal protein 164; plus strand). Cytogenetic location: 11q23.3.
Variant type: single nucleotide variant.
Coding change: c.1727G>T on transcript NM_014956.5 (MANE Select); coding-DNA position 1727, G replaced by T.
Protein change: p.Arg576Leu; replaces arginine 576 with leucine.
Molecular consequence: missense variant.
Genome position (GRCh38, 1-based): chr11:117,387,205, G>T. VCF-style: chr11-117387205-G-T. GRCh37 (hg19) VCF-style: chr11-117257921-G-T.
Other names: c.1736G>T, p.Arg579Leu (NM_001271933.2); short protein forms R579L, R576L.
Identifiers: ClinVar variation 1042998 (VCV001042998.8), dbSNP rs757579833, ClinGen allele CA382716882.

ClinVar aggregate classification (germline): Uncertain significance (1 of 4 stars; one submission).

Conditions:
Nephronophthisis 15 (NPHP15). Identifiers: Orphanet 3156, MedGen C3541853, MONDO:0013917, OMIM 614845.

Submission:

Labcorp Genetics (formerly Invitae), Labcorp
Classification: Uncertain significance for Nephronophthisis 15. Last evaluated: 2020-06-13. Review status: criteria provided, single submitter. Criteria: Invitae Variant Classification Sherloc (09022015). Collection method: clinical testing. Allele origin: germline.
Comment: This sequence change replaces arginine with leucine at codon 576 of the CEP164 protein (p.Arg576Leu). The arginine residue is moderately conserved and there is a moderate physicochemical difference between arginine and leucine. This variant is not present in population databases (ExAC no frequency). This variant has not been reported in the literature in individuals with CEP164-related conditions. Algorithms developed to predict the effect of missense changes on protein structure and function output the following: SIFT: "Tolerated"; PolyPhen-2: "Possibly Damaging"; Align-GVGD: "Class C0". The leucine amino acid residue is found in multiple mammalian species, suggesting that this missense change does not adversely affect protein function. These predictions have not been confirmed by published functional studies and their clinical significance is uncertain. In summary, the available evidence is currently insufficient to determine the role of this variant in disease. Therefore, it has been classified as a Variant of Uncertain Significance.